The following is an entry in ClinVar:

ClinVar aggregate classification (germline): Uncertain significance (1 of 4 stars; one submission).

gnomAD v4.1: 2 of 1,614,078 alleles (0.00012%); highest among the groups gnomAD compares: South Asian, 0.0011%; no homozygotes.

Submission:

GeneDx
Classification: Uncertain significance. Last evaluated: 2024-02-23. Review status: criteria provided, single submitter. Criteria: GeneDx Variant Classification Process June 2021. Collection method: clinical testing. Allele origin: germline. Affected: yes.
Comment: Observed with a TSHR variant on the opposite allele (in trans) in a patient with congenital hypothyroidism; the patient also harbored a variant in the TPO gene (PMID: 32319661); Not observed at significant frequency in large population cohorts (gnomAD); In silico analysis supports that this missense variant does not alter protein structure/function; This variant is associated with the following publications: (PMID: 32319661)

NM_000369.5(TSHR):c.526T>C (p.Cys176Arg)

Genes: TSHR (thyroid stimulating hormone receptor; plus strand), TSHR-AS1 (TSHR antisense RNA 1; minus strand). Cytogenetic location: 14q31.1.
Variant type: single nucleotide variant.
Coding change: c.526T>C on transcript NM_000369.5 (MANE Select); coding-DNA position 526, T replaced by C.
Protein change: p.Cys176Arg; replaces cysteine 176 with arginine.
Molecular consequence: missense variant.
Genome position (GRCh38, 1-based): chr14:81,092,589, T>C. VCF-style: chr14-81092589-T-C. GRCh37 (hg19) VCF-style: chr14-81558933-T-C.
Other names: c.526T>C, p.Cys176Arg (NM_001018036.3, NM_001142626.3); short protein forms C176R.
Identifiers: ClinVar variation 3343877 (VCV003343877.1).